The following is an entry in ClinVar:

ClinVar aggregate classification (germline): Uncertain significance (1 of 4 stars; one submission).

Submission:

Labcorp Genetics (formerly Invitae), Labcorp
Classification: Uncertain significance. Last evaluated: 2022-08-09. Review status: criteria provided, single submitter. Criteria: Invitae Variant Classification Sherloc (09022015). Collection method: clinical testing. Allele origin: germline.
Comment: In summary, the available evidence is currently insufficient to determine the role of this variant in disease. Therefore, it has been classified as a Variant of Uncertain Significance. Experimental studies and prediction algorithms are not available or were not evaluated, and the functional significance of this variant is currently unknown. This variant has not been reported in the literature in individuals affected with TXN2-related conditions. This variant results in a copy number gain of the genomic region encompassing exon(s) 2 of the TXN2 gene. This region includes the initiator codon of the gene. This copy number gain extends beyond the assayed region for this gene and therefore may encompass additional genes. As the precise location of this event is unknown, it may be in tandem or it may be located elsewhere in the genome.

NC_000022.10:g.(?_36876602)_(36876884_?)dup

Gene: TXN2 (thioredoxin 2; minus strand). Cytogenetic location: 22q12.3.
Variant type: Duplication.
Identifiers: ClinVar variation 1483901 (VCV001483901.5).